The following is an entry in ClinVar:

ClinVar aggregate classification (germline): Uncertain significance (1 of 4 stars; one submission).

Conditions:
Oocyte maturation defect 2 (OZEMA2). Also called: OOCYTE/ZYGOTE/EMBRYO MATURATION ARREST 2. Identifiers: MedGen C4225210, MONDO:0021573, OMIM 616780.

Submission:

Juno Genomics, Hangzhou Juno Genomics, Inc
Classification: Uncertain significance for Oocyte maturation defect 2. Review status: criteria provided, single submitter. Criteria: ACMG Guidelines, 2015. Collection method: clinical testing. Allele origin: germline.
Comment: Absent from controls (or at extremely low frequency if recessive) in Genome Aggregation Database.

NM_177987.3(TUBB8):c.1150C>T (p.Gln384Ter)

Gene: TUBB8 (tubulin beta 8 class VIII; minus strand). Cytogenetic location: 10p15.3.
Variant type: single nucleotide variant.
Coding change: c.1150C>T on transcript NM_177987.3 (MANE Select); coding-DNA position 1150, C replaced by T.
Protein change: p.Gln384Ter; replaces glutamine 384 with a stop codon.
Molecular consequence: nonsense.
Genome position (GRCh38, 1-based): chr10:47,242, G>A on the plus strand (C>T on the coding strand, the complement: TUBB8 is on the minus strand). VCF-style: chr10-47242-G-A. GRCh37 (hg19) VCF-style: chr10-93182-G-A.
Other names: c.934C>T, p.Gln312Ter (NM_001389618.1, NM_001389619.1); short protein forms Q312*, Q384*.
Identifiers: ClinVar variation 5007713 (VCV005007713.2).